The following is an entry in ClinVar:

NM_018668.5(VPS33B):c.1463_1464delinsA (p.Ser488fs)

Gene: VPS33B (VPS33B late endosome and lysosome associated; minus strand). Cytogenetic location: 15q26.1.
Variant type: Indel.
Coding change: c.1463_1464delinsA on transcript NM_018668.5 (MANE Select); coding-DNA positions 1463 to 1464, GC replaced by A.
Protein change: p.Ser488fs; shifts the reading frame from serine 488.
Molecular consequence: frameshift variant.
Genome position (GRCh38, 1-based): chr15:91,001,404-91,001,405, GC replaced by T on the plus strand (GC replaced by A on the coding strand, the reverse complement: VPS33B is on the minus strand). VCF-style: chr15-91001404-GC-T. GRCh37 (hg19) VCF-style: chr15-91544634-GC-T.
Other names: c.1382_1383delinsA, p.Ser461fs (NM_001289148.1); c.1190_1191delinsA, p.Ser397fs (NM_001289149.1); c.1463_1464delGCinsA, p.Ser488Lysfs (NM_018668.4); short protein forms S397fs, S461fs, S488fs.
Identifiers: ClinVar variation 3061476 (VCV003061476.3), dbSNP rs2544206677, ClinGen allele CA2740096762.

ClinVar aggregate classification (germline): Likely pathogenic (1 of 4 stars; one submission).

Conditions:
VPS33B-related disorder. Also called: VPS33B-related condition.

Submission:

PreventionGenetics, part of Exact Sciences
Classification: Likely pathogenic for VPS33B-related condition. Last evaluated: 2026-05-21. Review status: criteria provided, single submitter. Criteria: ACMG Guidelines, 2015. Collection method: clinical testing. Allele origin: germline.
Comment: The VPS33B c.1463_1464delinsA variant is predicted to result in a frameshift and premature protein termination (p.Ser488Lysfs*4). To our knowledge, this variant has not been reported in the literature or in a large population database (gnomAD), indicating this variant is rare. Frameshift variants in VPS33B are expected to be pathogenic. This variant is interpreted as likely pathogenic.